The following is an entry in ClinVar:

NM_014874.4(MFN2):c.*304A>G

Gene: MFN2 (mitofusin 2; plus strand). Cytogenetic location: 1p36.22.
Variant type: single nucleotide variant.
Coding change: c.*304A>G on transcript NM_014874.4 (MANE Select); 304 bases downstream of the stop codon, A replaced by G.
Molecular consequence: 3 prime UTR variant.
Genome position (GRCh38, 1-based): chr1:12,011,869, A>G. VCF-style: chr1-12011869-A-G. GRCh37 (hg19) VCF-style: chr1-12071926-A-G.
Other names: c.*304A>G (NM_001127660.2).
Identifiers: ClinVar variation 876736 (VCV000876736.4), dbSNP rs80118679, ClinGen allele CA18018257.

ClinVar aggregate classification (germline): Benign. Review status: criteria provided, single submitter (1 of 4 stars). 2 submissions from 1 submitter: Benign (2). Last evaluated 2018-01-13.

Conditions:
Charcot-Marie-Tooth disease type 2. Also called: Charcot-Marie-Tooth type 2. Identifiers: Orphanet 64746, MedGen C0270914, MONDO:0018993.
Hereditary motor and sensory neuropathy with optic atrophy. Also called: PERIPHERAL NEUROPATHY AND OPTIC ATROPHY; CHARCOT-MARIE-TOOTH DISEASE, TYPE 6. Identifiers: Orphanet 90120, MedGen C0393807, MONDO:0019551.

Allele frequency attached by ClinVar (database versions not stated): gnomAD 0.00765 and 0.00841; gnomAD exomes 0.00101; 1000 Genomes Project 0.00479; 1000 Genomes Project 30x 0.00562; TOPMed 0.00855.
gnomAD v4.1: 1,496 of 486,308 alleles (0.31%); highest among the groups gnomAD compares: African/African-American, 2.7%; 12 homozygotes.

Submissions (2):

Illumina Laboratory Services, Illumina
Classification: Benign for Charcot-Marie-Tooth disease, type 2. Last evaluated: 2018-01-13. Review status: criteria provided, single submitter. Criteria: ICSL Variant Classification Criteria 13 December 2019. Collection method: clinical testing. Allele origin: germline.
Comment: This variant was observed in the ICSL laboratory as part of a predisposition screen in an ostensibly healthy population. It had not been previously curated by ICSL or reported in the Human Gene Mutation Database (HGMD: prior to June 1st, 2018), and was therefore a candidate for classification through an automated scoring system. Utilizing variant allele frequency, disease prevalence and penetrance estimates, and inheritance mode, an automated score was calculated to assess if this variant is too frequent to cause the disease. Based on the score and internal cut-off values, a variant classified as benign is not then subjected to further curation. The score for this variant resulted in a classification of benign for this disease.

Illumina Laboratory Services, Illumina
Classification: Benign for Neuropathy, hereditary motor and sensory, type 6A. Last evaluated: 2018-01-13. Review status: criteria provided, single submitter. Criteria: ICSL Variant Classification Criteria 13 December 2019. Collection method: clinical testing. Allele origin: germline.
Comment: the same text as in the submission from Illumina Laboratory Services, Illumina above.